The following is an entry in ClinVar:

NM_015136.3(STAB1):c.5304C>T (p.Asp1768=)

Gene: STAB1 (stabilin 1; plus strand). Cytogenetic location: 3p21.1.
Variant type: single nucleotide variant.
Coding change: c.5304C>T on transcript NM_015136.3 (MANE Select); coding-DNA position 5304, C replaced by T.
Protein change: p.Asp1768=; no amino-acid change (aspartic acid 1768 retained).
Molecular consequence: synonymous variant.
Genome position (GRCh38, 1-based): chr3:52,520,012, C>T. VCF-style: chr3-52520012-C-T. GRCh37 (hg19) VCF-style: chr3-52554028-C-T.
Identifiers: ClinVar variation 3389093 (VCV003389093.14).
Genomic context (GRCh38, chr3:52,520,012, plus strand): 5'-CCTCCTGCCCCTGCTTCGAGAGGCATCCCATAGGCCCTTCACAATGCTGTGGCCCACAGA[C>T]GCCGCCTTTCGAGCTCTGCCTCCGGATCGCCAGGCCTGGCTGTACCATGAGGACCACCGT-3'
Protein context (NP_055951.2, residues 1758-1778): HRPFTMLWPT[Asp1768=]AAFRALPPDR

ClinVar aggregate classification (germline): Likely benign (1 of 4 stars; one submission).

Submission:

CeGaT Center for Human Genetics Tuebingen
Classification: Likely benign. Last evaluated: 2024-11-01. Review status: criteria provided, single submitter. Criteria: CeGaT Center For Human Genetics Tuebingen Variant Classification Criteria Version 2. Collection method: clinical testing. Allele origin: germline. Affected: yes. Observed: 1 variant allele.
Comment: STAB1: BP4, BP7